The following is an entry in ClinVar:

ClinVar aggregate classification (germline): Likely pathogenic (1 of 4 stars; one submission).

Submission:

Labcorp Genetics (formerly Invitae), Labcorp
Classification: Likely pathogenic. Last evaluated: 2022-08-07. Review status: criteria provided, single submitter. Criteria: Invitae Variant Classification Sherloc (09022015). Collection method: clinical testing. Allele origin: germline.
Comment: This sequence change replaces arginine, which is basic and polar, with cysteine, which is neutral and slightly polar, at codon 2649 of the KMT2B protein (p.Arg2649Cys). In summary, the currently available evidence indicates that the variant is pathogenic, but additional data are needed to prove that conclusively. Therefore, this variant has been classified as Likely Pathogenic. Algorithms developed to predict the effect of missense changes on protein structure and function are either unavailable or do not agree on the potential impact of this missense change (SIFT: "Deleterious"; PolyPhen-2: "Not Available"; Align-GVGD: "Class C65"). This missense change has been observed in individual(s) with childhood-onset dystonia (PMID: 33150406; Invitae). In at least one individual the variant was observed to be de novo. This variant is not present in population databases (gnomAD no frequency).

Literature cited by the submitters: PubMed 33150406.

NM_014727.3(KMT2B):c.7945C>T (p.Arg2649Cys)

Gene: KMT2B (lysine methyltransferase 2B; plus strand). Cytogenetic location: 19q13.12.
Variant type: single nucleotide variant.
Coding change: c.7945C>T on transcript NM_014727.3 (MANE Select); coding-DNA position 7945, C replaced by T.
Protein change: p.Arg2649Cys; replaces arginine 2649 with cysteine.
Molecular consequence: missense variant.
Genome position (GRCh38, 1-based): chr19:35,738,354, C>T. VCF-style: chr19-35738354-C-T. GRCh37 (hg19) VCF-style: chr19-36229255-C-T.
Other names: short protein forms R2649C.
Identifiers: ClinVar variation 2099157 (VCV002099157.4), dbSNP rs2513370317, ClinGen allele CA405440182.
Genomic context (GRCh38, chr19:35,738,354, plus strand): 5'-TATATGTTCCGCATGGATGACTTTGATGTAGTGGACGCCACGATGCATGGCAATGCCGCC[C>T]GCTTCATCAACCACTCCTGTGAGCCCAACTGCTTCTCTCGGGTCATCCACGTGGAGGGCC-3'
Protein context (NP_055542.1, residues 2639-2659): VDATMHGNAA[Arg2649Cys]FINHSCEPNC